The following is an entry in ClinVar:

ClinVar aggregate classification (germline): Uncertain significance. Review status: criteria provided, single submitter (1 of 4 stars). 2 submissions from 2 submitters: Uncertain significance (1). 1 of the submissions does not count toward it. Last evaluated 2024-01-22.

Conditions:
HEMOGLOBIN KENITRA.

gnomAD v4.1: 1 of 1,614,012 alleles (0.000062%); highest among the groups gnomAD compares: Non-Finnish European, 0.000085%; no homozygotes.

Submissions (2):

Quest Diagnostics Nichols Institute San Juan Capistrano
Classification: Uncertain significance. Last evaluated: 2024-01-22. Review status: criteria provided, single submitter. Criteria: Quest Diagnostics criteria. Collection method: clinical testing. Allele origin: unknown.
Comment: The HBB c.208G>C (p.Gly70Arg) variant has been reported in the published literature in an individual with microcytosis (PMID: 3838975 (1985)). This variant has not been reported in large, multi-ethnic general populations (Genome Aggregation Database). Analysis of this variant using bioinformatics tools for the prediction of the effect of amino acid changes on protein structure and function yielded conflicting predictions that this variant is deleterious or benign. Based on the available information, we are unable to determine the clinical significance of this variant.

OMIM
Classification: other for HEMOGLOBIN KENITRA. Last evaluated: 2017-12-12. Review status: no assertion criteria provided. Collection method: literature only. Allele origin: germline. Not counted in ClinVar's aggregate classification.

Literature cited by the submitters: PubMed 3838975 (cited by Quest Diagnostics Nichols Institute San Juan Capistrano); PubMed 274732 (cited by OMIM).

NM_000518.4(HBB):c.208G>C (p.Gly70Arg)

Genes: HBB (hemoglobin subunit beta; minus strand), LOC106099062 (HBB recombination region; plus strand), LOC107133510 (origin of replication at HBB; plus strand). Cytogenetic location: 11p15.4.
Variant type: single nucleotide variant.
Coding change: c.208G>C on transcript NM_000518.4; coding-DNA position 208, G replaced by C.
Protein change: p.Gly70Arg; replaces glycine 70 with arginine.
Molecular consequence: missense variant (on NM_000518.5).
Genome position (GRCh38, 1-based): chr11:5,226,684, C>G on the plus strand (G>C on the coding strand, the complement: HBB is on the minus strand). VCF-style: chr11-5226684-C-G. GRCh37 (hg19) VCF-style: chr11-5247914-C-G.
Other names: G69R; c.208G>C, p.Gly70Arg (NM_000518.5); short protein forms G70R.
Identifiers: ClinVar variation 15237 (VCV000015237.3), dbSNP rs33947415, ClinGen allele CA124979.